The following is an entry in ClinVar:

ClinVar aggregate classification (germline): Uncertain significance. Review status: criteria provided, multiple submitters, no conflicts (2 of 4 stars). 3 submissions from 3 submitters: Uncertain significance (3). Last evaluated 2025-07-03.

Conditions:
Colorectal cancer, hereditary nonpolyposis, type 7. Identifiers: Orphanet 144, MedGen C1858380, MONDO:0013725, OMIM 614385.

Allele frequency attached by ClinVar (database versions not stated): gnomAD exomes below 0.00001 and 0.00002; ExAC 0.00001; gnomAD 0.00001; TOPMed 0.00003.

Submissions (3):

Ambry Genetics
Classification: Uncertain significance. Last evaluated: 2025-07-03. Review status: criteria provided, single submitter. Criteria: Ambry Variant Classification Scheme 2023. Collection method: clinical testing. Allele origin: germline.
Comment: The p.R14H variant (also known as c.41G>A), located in coding exon 1 of the MLH3 gene, results from a G to A substitution at nucleotide position 41. The arginine at codon 14 is replaced by histidine, an amino acid with highly similar properties. This amino acid position is highly conserved in available vertebrate species. In addition, this alteration is predicted to be deleterious by in silico analysis. The evidence for this gene-disease relationship is limited; therefore, the clinical significance of this alteration is unclear.

Center for Genomic Medicine, Rigshospitalet, Copenhagen University Hospital
Classification: Uncertain significance. Last evaluated: 2025-03-04. Review status: criteria provided, single submitter. Criteria: ACMG Guidelines, 2015. Collection method: clinical testing. Allele origin: germline.

Labcorp Genetics (formerly Invitae), Labcorp
Classification: Uncertain significance for Colorectal cancer, hereditary nonpolyposis, type 7. Last evaluated: 2024-07-30. Review status: criteria provided, single submitter. Criteria: Invitae Variant Classification Sherloc (09022015). Collection method: clinical testing. Allele origin: germline.
Comment: This sequence change replaces arginine, which is basic and polar, with histidine, which is basic and polar, at codon 14 of the MLH3 protein (p.Arg14His). This variant is present in population databases (rs760072474, gnomAD 0.003%). This variant has not been reported in the literature in individuals affected with MLH3-related conditions. ClinVar contains an entry for this variant (Variation ID: 544268). An algorithm developed to predict the effect of missense changes on protein structure and function (PolyPhen-2) suggests that this variant is likely to be disruptive. In summary, the available evidence is currently insufficient to determine the role of this variant in disease. Therefore, it has been classified as a Variant of Uncertain Significance.

NM_001040108.2(MLH3):c.41G>A (p.Arg14His)

Gene: MLH3 (mutL homolog 3; minus strand). Cytogenetic location: 14q24.3.
Variant type: single nucleotide variant.
Coding change: c.41G>A on transcript NM_001040108.2 (MANE Select); coding-DNA position 41, G replaced by A.
Protein change: p.Arg14His; replaces arginine 14 with histidine.
Molecular consequence: missense variant.
Genome position (GRCh38, 1-based): chr14:75,049,615, C>T on the plus strand (G>A on the coding strand, the complement: MLH3 is on the minus strand). VCF-style: chr14-75049615-C-T. GRCh37 (hg19) VCF-style: chr14-75516318-C-T.
Other names: c.41G>A, p.Arg14His (NM_014381.3); short protein forms R14H.
Identifiers: ClinVar variation 544268 (VCV000544268.21), dbSNP rs760072474, ClinGen allele CA7276100.